The following is an entry in ClinVar:

ClinVar aggregate classification (germline): Uncertain significance (1 of 4 stars; one submission).

Conditions:
Joubert syndrome 23 (JBTS23). Identifiers: Orphanet 475, MedGen C4084822, MONDO:0014664, OMIM 616490.
Short-rib thoracic dysplasia 14 with polydactyly (SRTD14). Identifiers: Orphanet 397715, MedGen C4225286, MONDO:0014688, OMIM 616546.

gnomAD v4.1: 1 of 1,585,368 alleles (0.000063%); highest among the groups gnomAD compares: Admixed American, 0.0019%; no homozygotes.

Submission:

Labcorp Genetics (formerly Invitae), Labcorp
Classification: Uncertain significance for Joubert syndrome 23; Short-rib thoracic dysplasia 14 with polydactyly. Last evaluated: 2022-07-14. Review status: criteria provided, single submitter. Criteria: Invitae Variant Classification Sherloc (09022015). Collection method: clinical testing. Allele origin: germline.
Comment: In summary, the available evidence is currently insufficient to determine the role of this variant in disease. Therefore, it has been classified as a Variant of Uncertain Significance. Algorithms developed to predict the effect of missense changes on protein structure and function are either unavailable or do not agree on the potential impact of this missense change (SIFT: "Deleterious"; PolyPhen-2: "Possibly Damaging"; Align-GVGD: "Class C0"). This sequence change replaces isoleucine, which is neutral and non-polar, with leucine, which is neutral and non-polar, at codon 735 of the KIAA0586 protein (p.Ile735Leu). This variant is not present in population databases (gnomAD no frequency). This variant has not been reported in the literature in individuals affected with KIAA0586-related conditions. ClinVar contains an entry for this variant (Variation ID: 1403208).

NM_001329943.3(KIAA0586):c.2044A>T (p.Ile682Leu)

Gene: KIAA0586 (KIAA0586; plus strand). Cytogenetic location: 14q23.1.
Variant type: single nucleotide variant.
Coding change: c.2044A>T on transcript NM_001329943.3 (MANE Select); coding-DNA position 2044, A replaced by T.
Protein change: p.Ile682Leu; replaces isoleucine 682 with leucine.
Molecular consequence: missense variant.
Genome position (GRCh38, 1-based): chr14:58,461,145, A>T. VCF-style: chr14-58461145-A-T. GRCh37 (hg19) VCF-style: chr14-58927863-A-T.
Other names: c.2203A>T, p.Ile735Leu (NM_001244189.2); c.1999A>T, p.Ile667Leu (NM_001244190.2); c.1789A>T, p.Ile597Leu (NM_001244191.2, NM_001329945.2, NM_001364700.1 and 1 more transcripts); c.1912A>T, p.Ile638Leu (NM_001244192.2); c.1624A>T, p.Ile542Leu (NM_001244193.2); c.2044A>T, p.Ile682Leu (NM_001329944.2, NM_001329946.2, NM_001329947.2); c.1816A>T, p.Ile606Leu (NM_014749.5); short protein forms I606L, I542L, I638L, I682L, I597L, I667L, I735L.
Identifiers: ClinVar variation 1403208 (VCV001403208.5), dbSNP rs751924115, ClinGen allele CA261627492.